The following is an entry in ClinVar:

ClinVar aggregate classification (germline): Uncertain significance (1 of 4 stars; one submission).

Conditions:
Catecholaminergic polymorphic ventricular tachycardia 1. Also called: VENTRICULAR TACHYCARDIA, STRESS-INDUCED POLYMORPHIC 1; VENTRICULAR TACHYCARDIA, CATECHOLAMINERGIC POLYMORPHIC, 1, WITH OR WITHOUT ATRIAL DYSFUNCTION AND/OR DILATED CARDIOMYOPATHY; RYR2-Related Catecholaminergic Polymorphic Ventricular Tachycardia. Identifiers: Orphanet 3286, MedGen C1631597, MONDO:0011484, OMIM 604772.

Submission:

Labcorp Genetics (formerly Invitae), Labcorp
Classification: Uncertain significance for Catecholaminergic polymorphic ventricular tachycardia 1. Last evaluated: 2023-07-28. Review status: criteria provided, single submitter. Criteria: Invitae Variant Classification Sherloc (09022015). Collection method: clinical testing. Allele origin: germline.
Comment: Advanced modeling of protein sequence and biophysical properties (such as structural, functional, and spatial information, amino acid conservation, physicochemical variation, residue mobility, and thermodynamic stability) performed at Invitae indicates that this missense variant is not expected to disrupt RYR2 protein function. In summary, the available evidence is currently insufficient to determine the role of this variant in disease. Therefore, it has been classified as a Variant of Uncertain Significance. This variant has not been reported in the literature in individuals affected with RYR2-related conditions. This sequence change replaces threonine, which is neutral and polar, with proline, which is neutral and non-polar, at codon 3173 of the RYR2 protein (p.Thr3173Pro). This variant is not present in population databases (gnomAD no frequency).

NM_001035.3(RYR2):c.9517A>C (p.Thr3173Pro)

Gene: RYR2 (ryanodine receptor 2; plus strand). Cytogenetic location: 1q43.
Variant type: single nucleotide variant.
Coding change: c.9517A>C on transcript NM_001035.3 (MANE Select); coding-DNA position 9517, A replaced by C.
Protein change: p.Thr3173Pro; replaces threonine 3173 with proline.
Molecular consequence: missense variant.
Genome position (GRCh38, 1-based): chr1:237,705,280, A>C. VCF-style: chr1-237705280-A-C. GRCh37 (hg19) VCF-style: chr1-237868580-A-C.
Other names: short protein forms T3173P.
Identifiers: ClinVar variation 2747691 (VCV002747691.3), dbSNP rs1688278594, ClinGen allele CA345407654.
Genomic context (GRCh38, chr1:237,705,280, plus strand): 5'-TCTGCATTAGGAGAATGTCTAGCTGCCTTTGCTGGTGCTTTTCCTGTAGCATTTTTGGAA[A>C]CTCATCTGGACAAACATAATATTTACTCCATCTACAATACCAAGTCTTCACGAGAAAGAG-3'
Protein context (NP_001026.2, residues 3163-3183): AGAFPVAFLE[Thr3173Pro]HLDKHNIYSI